The following is an entry in ClinVar:

NM_031935.3(HMCN1):c.1720C>A (p.Leu574Met)

Gene: HMCN1 (hemicentin 1; plus strand). Cytogenetic location: 1q31.1.
Variant type: single nucleotide variant.
Coding change: c.1720C>A on transcript NM_031935.3 (MANE Select); coding-DNA position 1720, C replaced by A.
Protein change: p.Leu574Met; replaces leucine 574 with methionine.
Molecular consequence: missense variant.
Genome position (GRCh38, 1-based): chr1:185,933,716, C>A. VCF-style: chr1-185933716-C-A. GRCh37 (hg19) VCF-style: chr1-185902848-C-A.
Other names: short protein forms L574M.
Identifiers: ClinVar variation 2776576 (VCV002776576.3), dbSNP rs2527154708, ClinGen allele CA343867853.

ClinVar aggregate classification (germline): Uncertain significance (1 of 4 stars; one submission).

Allele frequency attached by ClinVar (database versions not stated): gnomAD exomes below 0.00001.
gnomAD v4.1: 4 of 1,613,948 alleles (0.00025%); highest among the groups gnomAD compares: Non-Finnish European, 0.00034%; no homozygotes.

Submission:

Labcorp Genetics (formerly Invitae), Labcorp
Classification: Uncertain significance. Last evaluated: 2024-01-10. Review status: criteria provided, single submitter. Criteria: Invitae Variant Classification Sherloc (09022015). Collection method: clinical testing. Allele origin: germline.
Comment: This sequence change replaces leucine, which is neutral and non-polar, with methionine, which is neutral and non-polar, at codon 574 of the HMCN1 protein (p.Leu574Met). This variant is not present in population databases (gnomAD no frequency). This variant has not been reported in the literature in individuals affected with HMCN1-related conditions. An algorithm developed to predict the effect of missense changes on protein structure and function (PolyPhen-2) suggests that this variant is likely to be disruptive. In summary, the available evidence is currently insufficient to determine the role of this variant in disease. Therefore, it has been classified as a Variant of Uncertain Significance.